The following is an entry in ClinVar:

ClinVar aggregate classification (germline): Uncertain significance (1 of 4 stars; one submission).

gnomAD v4.1: 2 of 1,614,034 alleles (0.00012%); highest among the groups gnomAD compares: East Asian, 0.0022%; no homozygotes.

Submission:

Labcorp Genetics (formerly Invitae), Labcorp
Classification: Uncertain significance. Last evaluated: 2024-02-26. Review status: criteria provided, single submitter. Criteria: Invitae Variant Classification Sherloc (09022015). Collection method: clinical testing. Allele origin: germline.
Comment: This sequence change replaces serine, which is neutral and polar, with proline, which is neutral and non-polar, at codon 649 of the ALPK1 protein (p.Ser649Pro). This variant is present in population databases (no rsID available, gnomAD 0.06%). This variant has not been reported in the literature in individuals affected with ALPK1-related conditions. Advanced modeling of protein sequence and biophysical properties (such as structural, functional, and spatial information, amino acid conservation, physicochemical variation, residue mobility, and thermodynamic stability) performed at Invitae indicates that this missense variant is not expected to disrupt ALPK1 protein function with a negative predictive value of 80%. In summary, the available evidence is currently insufficient to determine the role of this variant in disease. Therefore, it has been classified as a Variant of Uncertain Significance.

NM_025144.4(ALPK1):c.1945T>C (p.Ser649Pro)

Gene: ALPK1 (alpha kinase 1; plus strand). Cytogenetic location: 4q25.
Variant type: single nucleotide variant.
Coding change: c.1945T>C on transcript NM_025144.4 (MANE Select); coding-DNA position 1945, T replaced by C.
Protein change: p.Ser649Pro; replaces serine 649 with proline.
Molecular consequence: missense variant.
Genome position (GRCh38, 1-based): chr4:112,431,492, T>C. VCF-style: chr4-112431492-T-C. GRCh37 (hg19) VCF-style: chr4-113352648-T-C.
Other names: c.1945T>C, p.Ser649Pro (NM_001102406.2); c.1711T>C, p.Ser571Pro (NM_001253884.2); short protein forms S571P, S649P.
Identifiers: ClinVar variation 3643457 (VCV003643457.2).